The following is an entry in ClinVar:

NM_000142.5(FGFR3):c.1279T>A (p.Ser427Thr)

Gene: FGFR3 (fibroblast growth factor receptor 3; plus strand). Cytogenetic location: 4p16.3.
Variant type: single nucleotide variant.
Coding change: c.1279T>A on transcript NM_000142.5 (MANE Select); coding-DNA position 1279, T replaced by A.
Protein change: p.Ser427Thr; replaces serine 427 with threonine.
Molecular consequence: missense variant. On other transcripts: non-coding transcript variant (1).
Genome position (GRCh38, 1-based): chr4:1,804,836, T>A. VCF-style: chr4-1804836-T-A. GRCh37 (hg19) VCF-style: chr4-1806563-T-A.
Other names: c.1285T>A, p.Ser429Thr (NM_001163213.2); c.1282T>A, p.Ser428Thr (NM_001354809.2, NM_001354810.2); c.943T>A, p.Ser315Thr (NM_022965.4); c.1279T>A (NM_000142.4); short protein forms S315T, S427T, S428T, S429T.
Identifiers: ClinVar variation 1680066 (VCV001680066.9), dbSNP rs1168038163, ClinGen allele CA355980038.
Genomic context (GRCh38, chr4:1,804,836, plus strand): 5'-CGCCCTGTCGCCCACGCGGCGCCAACCTGCCCCTGCTGACCCAAGCAGGTGTCCCTGGAG[T>A]CCAACGCGTCCATGAGCTCCAACACACCACTGGTGCGCATCGCAAGGCTGTCCTCAGGGG-3'
Protein context (NP_000133.1, residues 417-437): FPLKRQVSLE[Ser427Thr]NASMSSNTPL

ClinVar aggregate classification (germline): Uncertain significance. Review status: criteria provided, multiple submitters, no conflicts (2 of 4 stars). 2 submissions from 2 submitters: Uncertain significance (2). Last evaluated 2026-07-03.

Conditions:
Inborn genetic diseases. Identifiers: MedGen C0950123, MeSH D030342.

Allele frequency attached by ClinVar (database versions not stated): TOPMed 0.00002; gnomAD 0.00001.
gnomAD v4.1: 2 of 1,549,338 alleles (0.00013%); highest among the groups gnomAD compares: African/African-American, 0.0014%; no homozygotes.

Submissions (2):

Ambry Genetics
Classification: Uncertain significance for Inborn genetic diseases. Last evaluated: 2026-07-03. Review status: criteria provided, single submitter. Criteria: Ambry Variant Classification Scheme 2023. Collection method: clinical testing. Allele origin: germline.

Labcorp Genetics (formerly Invitae), Labcorp
Classification: Uncertain significance. Last evaluated: 2023-10-11. Review status: criteria provided, single submitter. Criteria: Invitae Variant Classification Sherloc (09022015). Collection method: clinical testing. Allele origin: germline.
Comment: This sequence change replaces serine, which is neutral and polar, with threonine, which is neutral and polar, at codon 427 of the FGFR3 protein (p.Ser427Thr). This variant is not present in population databases (gnomAD no frequency). This variant has not been reported in the literature in individuals affected with FGFR3-related conditions. ClinVar contains an entry for this variant (Variation ID: 1680066). Advanced modeling of protein sequence and biophysical properties (such as structural, functional, and spatial information, amino acid conservation, physicochemical variation, residue mobility, and thermodynamic stability) has been performed at Invitae for this missense variant, however the output from this modeling did not meet the statistical confidence thresholds required to predict the impact of this variant on FGFR3 protein function. In summary, the available evidence is currently insufficient to determine the role of this variant in disease. Therefore, it has been classified as a Variant of Uncertain Significance.